The following is an entry in ClinVar:

NM_001166114.2(PNPLA6):c.1135G>A (p.Asp379Asn)

Gene: PNPLA6 (patatin like domain 6, lysophospholipase; plus strand). Cytogenetic location: 19p13.2.
Variant type: single nucleotide variant.
Coding change: c.1135G>A on transcript NM_001166114.2 (MANE Select); coding-DNA position 1135, G replaced by A.
Protein change: p.Asp379Asn; replaces aspartic acid 379 with asparagine.
Molecular consequence: missense variant.
Genome position (GRCh38, 1-based): chr19:7,541,651, G>A. VCF-style: chr19-7541651-G-A. GRCh37 (hg19) VCF-style: chr19-7606537-G-A.
Other names: c.1162G>A, p.Asp388Asn (NM_001166111.2); c.1018G>A, p.Asp340Asn (NM_001166112.2, NM_001166113.1, NM_006702.5); short protein forms D340N, D379N, D388N.
Identifiers: ClinVar variation 1002229 (VCV001002229.8), dbSNP rs1372004040, ClinGen allele CA403109858.

ClinVar aggregate classification (germline): Uncertain significance (1 of 4 stars; one submission).

Conditions:
Hereditary spastic paraplegia 39 (SPG39). Also called: SPASTIC PARAPLEGIA 39, AUTOSOMAL RECESSIVE; Spastic Paraplegia Type 39 (SPG39). Identifiers: Orphanet 139480, MedGen C2677586, MONDO:0012787, OMIM 612020.

Allele frequency attached by ClinVar (database versions not stated): gnomAD exomes below 0.00001; gnomAD 0.00001; TOPMed 0.00002.
gnomAD v4.1: 4 of 1,580,716 alleles (0.00025%); highest among the groups gnomAD compares: Middle Eastern, 0.017%; no homozygotes.

Submission:

Labcorp Genetics (formerly Invitae), Labcorp
Classification: Uncertain significance for Hereditary spastic paraplegia 39. Last evaluated: 2022-07-18. Review status: criteria provided, single submitter. Criteria: Invitae Variant Classification Sherloc (09022015). Collection method: clinical testing. Allele origin: germline.
Comment: In summary, the available evidence is currently insufficient to determine the role of this variant in disease. Therefore, it has been classified as a Variant of Uncertain Significance. Algorithms developed to predict the effect of missense changes on protein structure and function (SIFT, PolyPhen-2, Align-GVGD) all suggest that this variant is likely to be tolerated. ClinVar contains an entry for this variant (Variation ID: 1002229). This variant has not been reported in the literature in individuals affected with PNPLA6-related conditions. This variant is not present in population databases (gnomAD no frequency). This sequence change replaces aspartic acid, which is acidic and polar, with asparagine, which is neutral and polar, at codon 340 of the PNPLA6 protein (p.Asp340Asn).